The following is an entry in ClinVar:

NM_007055.4(POLR3A):c.2812C>T (p.Pro938Ser)

Gene: POLR3A (RNA polymerase III subunit A; minus strand). Cytogenetic location: 10q22.3.
Variant type: single nucleotide variant.
Coding change: c.2812C>T on transcript NM_007055.4 (MANE Select); coding-DNA position 2812, C replaced by T.
Protein change: p.Pro938Ser; replaces proline 938 with serine.
Molecular consequence: missense variant.
Genome position (GRCh38, 1-based): chr10:77,991,143, G>A on the plus strand (C>T on the coding strand, the complement: POLR3A is on the minus strand). VCF-style: chr10-77991143-G-A. GRCh37 (hg19) VCF-style: chr10-79750901-G-A.
Other names: short protein forms P938S.
Identifiers: ClinVar variation 1493163 (VCV001493163.8), dbSNP rs747949344, ClinGen allele CA5571016.

ClinVar aggregate classification (germline): Uncertain significance (1 of 4 stars; one submission).

Allele frequency attached by ClinVar (database versions not stated): gnomAD exomes below 0.00001; ExAC 0.00001.
gnomAD v4.1: 4 of 1,611,830 alleles (0.00025%); highest among the groups gnomAD compares: Non-Finnish European, 0.00034%; no homozygotes.

Submission:

Labcorp Genetics (formerly Invitae), Labcorp
Classification: Uncertain significance. Last evaluated: 2021-07-17. Review status: criteria provided, single submitter. Criteria: Invitae Variant Classification Sherloc (09022015). Collection method: clinical testing. Allele origin: germline.
Comment: This sequence change replaces proline with serine at codon 938 of the POLR3A protein (p.Pro938Ser). The proline residue is moderately conserved and there is a moderate physicochemical difference between proline and serine. In summary, the available evidence is currently insufficient to determine the role of this variant in disease. Therefore, it has been classified as a Variant of Uncertain Significance. Algorithms developed to predict the effect of missense changes on protein structure and function (SIFT, PolyPhen-2, Align-GVGD) all suggest that this variant is likely to be tolerated. This variant has not been reported in the literature in individuals affected with POLR3A-related conditions. This variant is present in population databases (rs747949344, ExAC 0.002%).